The following is an entry in ClinVar:

NM_004369.4(COL6A3):c.9308C>A (p.Pro3103Gln)

Gene: COL6A3 (collagen type VI alpha 3 chain; minus strand). Cytogenetic location: 2q37.3.
Variant type: single nucleotide variant.
Coding change: c.9308C>A on transcript NM_004369.4 (MANE Select); coding-DNA position 9308, C replaced by A.
Protein change: p.Pro3103Gln; replaces proline 3103 with glutamine.
Molecular consequence: missense variant.
Genome position (GRCh38, 1-based): chr2:237,333,470, G>T on the plus strand (C>A on the coding strand, the complement: COL6A3 is on the minus strand). VCF-style: chr2-237333470-G-T. GRCh37 (hg19) VCF-style: chr2-238242113-G-T.
Other names: c.7487C>A, p.Pro2496Gln (NM_057166.5); c.8690C>A, p.Pro2897Gln (NM_057167.4); short protein forms P2897Q, P3103Q, P2496Q.
Identifiers: ClinVar variation 954822 (VCV000954822.11), dbSNP rs1288932366, ClinGen allele CA351187215.
Genomic context (GRCh38, chr2:237,333,470, plus strand): 5'-TCTTAGTGCCATTAATGGACCTAATAGTTTCACAACTCACCTGTTTCAGTGAGAGCCAAT[G>T]GTTCTGTGCTCACCATTAGATTGATGGTTGAACTAGAAGCTGACCTTGCTGGCTGTGGAG-3'
Protein context (NP_004360.2, residues 3093-3113): STINLMVSTE[Pro3103Gln]LALTETDICK

ClinVar aggregate classification (germline): Uncertain significance. Review status: criteria provided, multiple submitters, no conflicts (2 of 4 stars). 2 submissions from 2 submitters: Uncertain significance (2). Last evaluated 2024-02-08.

Conditions:
Inborn genetic diseases. Identifiers: MedGen C0950123, MeSH D030342.
Bethlem myopathy 1A. Also called: Bethlem Muscular Dystrophy; Bethlem myopathy 1; MYOPATHY, BENIGN CONGENITAL, WITH CONTRACTURES. Identifiers: Orphanet 610, MedGen CN029274, MONDO:0024530, OMIM 158810.

Allele frequency attached by ClinVar (database versions not stated): gnomAD exomes below 0.00001; gnomAD 0.00001.
gnomAD v4.1: 2 of 1,614,044 alleles (0.00012%); highest among the groups gnomAD compares: African/African-American, 0.0013%; no homozygotes.

Submissions (2):

Labcorp Genetics (formerly Invitae), Labcorp
Classification: Uncertain significance for Bethlem myopathy 1A. Last evaluated: 2024-02-08. Review status: criteria provided, single submitter. Criteria: Invitae Variant Classification Sherloc (09022015). Collection method: clinical testing. Allele origin: germline.
Comment: This sequence change replaces proline, which is neutral and non-polar, with glutamine, which is neutral and polar, at codon 3103 of the COL6A3 protein (p.Pro3103Gln). The frequency data for this variant in the population databases is considered unreliable, as metrics indicate poor data quality at this position in the gnomAD database. This variant has not been reported in the literature in individuals affected with COL6A3-related conditions. ClinVar contains an entry for this variant (Variation ID: 954822). Advanced modeling of protein sequence and biophysical properties (such as structural, functional, and spatial information, amino acid conservation, physicochemical variation, residue mobility, and thermodynamic stability) performed at Invitae indicates that this missense variant is not expected to disrupt COL6A3 protein function with a negative predictive value of 95%. In summary, the available evidence is currently insufficient to determine the role of this variant in disease. Therefore, it has been classified as a Variant of Uncertain Significance.

Ambry Genetics
Classification: Uncertain significance for Inborn genetic diseases. Last evaluated: 2022-04-12. Review status: criteria provided, single submitter. Criteria: Ambry Variant Classification Scheme 2023. Collection method: clinical testing. Allele origin: germline.